The following is an entry in ClinVar:

ClinVar aggregate classification (germline): Pathogenic (1 of 4 stars; one submission).

Submission:

Labcorp Genetics (formerly Invitae), Labcorp
Classification: Pathogenic. Last evaluated: 2023-10-17. Review status: criteria provided, single submitter. Criteria: Invitae Variant Classification Sherloc (09022015). Collection method: clinical testing. Allele origin: germline.
Comment: This sequence change creates a premature translational stop signal (p.Gln327Argfs*20) in the GLE1 gene. It is expected to result in an absent or disrupted protein product. Loss-of-function variants in GLE1 are known to be pathogenic (PMID: 18204449, 24243016, 27684565). This variant is not present in population databases (gnomAD no frequency). This variant has not been reported in the literature in individuals affected with GLE1-related conditions. For these reasons, this variant has been classified as Pathogenic.

Literature cited by the submitters: PubMed 18204449; PubMed 24243016; PubMed 27684565.

NM_001003722.2(GLE1):c.978del (p.Gln327fs)

Gene: GLE1 (GLE1 RNA export mediator; plus strand). Cytogenetic location: 9q34.11.
Variant type: Deletion.
Coding change: c.978del on transcript NM_001003722.2 (MANE Select); coding-DNA position 978, one base deleted (G; older notation c.978delG).
Protein change: p.Gln327fs; shifts the reading frame from glutamine 327.
Molecular consequence: frameshift variant.
Genome position (GRCh38, 1-based): chr9:128,525,272, G deleted; the last of 4 consecutive G bases (chr9:128,525,269-128,525,272); deleting any one gives the same sequence. VCF-style (leftmost placement, unchanged base first): chr9-128525268-TG-T. GRCh37 (hg19) VCF-style: chr9-131287547-TG-T.
Other names: c.978del, p.Gln327fs (NM_001411013.1, NM_001499.2); short protein forms Q327fs.
Identifiers: ClinVar variation 2799249 (VCV002799249.3), dbSNP rs2540601547, ClinGen allele CA2739265094.